The following is an entry in ClinVar:

ClinVar aggregate classification (germline): Pathogenic (1 of 4 stars; one submission).

Conditions:
Nephrotic syndrome, type 2 (NPHS2). Also called: NEPHROTIC SYNDROME, STEROID-RESISTANT, AUTOSOMAL RECESSIVE. Identifiers: Orphanet 656, MedGen C1868672, MONDO:0010974, OMIM 600995.

Submission:

Myriad Genetics, Inc.
Classification: Pathogenic for Nephrotic syndrome, type 2. Last evaluated: 2023-08-31. Review status: criteria provided, single submitter. Criteria: Myriad Autosomal Dominant, Autosomal Recessive and X-Linked Classification Criteria (2023). Collection method: clinical testing. Allele origin: unknown.
Comment: NM_014625.2(NPHS2):c.458delT(F153Sfs*28) is expected to be pathogenic in the context of nephrotic syndrome, NPHS2-related. This variant is predicted to lead to an abnormal or absent protein product due to the creation of a premature termination codon in NPHS2, a gene where loss-of-function variants are known to be pathogenic. Please note: this variant was assessed in the context of healthy population screening.

NM_014625.4(NPHS2):c.458del (p.Phe153fs)

Gene: NPHS2 (NPHS2 stomatin family member, podocin; minus strand). Cytogenetic location: 1q25.2.
Variant type: Deletion.
Coding change: c.458del on transcript NM_014625.4 (MANE Select); coding-DNA position 458, one base deleted (T; older notation c.458delT).
Protein change: p.Phe153fs; shifts the reading frame from phenylalanine 153.
Molecular consequence: frameshift variant.
Genome position (GRCh38, 1-based): chr1:179,559,755, A deleted on the plus strand (T on the coding strand, the reverse complement: NPHS2 is on the minus strand); the first of 4 consecutive A bases (chr1:179,559,755-179,559,758); deleting any one gives the same sequence. VCF-style (leftmost placement, unchanged base first): chr1-179559754-GA-G. GRCh37 (hg19) VCF-style: chr1-179528889-GA-G.
Other names: c.458del, p.Phe153fs (NM_001297575.2); short protein forms F153fs.
Identifiers: ClinVar variation 5011499 (VCV005011499.1).